The following is an entry in ClinVar:

NM_015443.4(KANSL1):c.296A>G (p.Gln99Arg)

Gene: KANSL1 (KAT8 regulatory NSL complex subunit 1). Cytogenetic location: 17q21.31.
Variant type: single nucleotide variant.
Coding change: c.296A>G on transcript NM_015443.4 (MANE Select); coding-DNA position 296, A replaced by G.
Protein change: p.Gln99Arg; replaces glutamine 99 with arginine.
Molecular consequence: missense variant.
Genome position (GRCh38, 1-based): chr17:46,171,848, T>C on the plus strand (A>G on the coding strand, the complement: KANSL1 is on the minus strand). VCF-style: chr17-46171848-T-C. GRCh37 (hg19) VCF-style: chr17-44249214-T-C.
Other names: p.Q99R:CAA>CGA; c.296A>G, p.Gln99Arg (NM_001193465.2, NM_001193466.2, NM_001379198.1); short protein forms Q99R.
Identifiers: ClinVar variation 205766 (VCV000205766.40), dbSNP rs754727332, ClinGen allele CA315158.

ClinVar aggregate classification (germline): Benign/Likely benign. Review status: criteria provided, multiple submitters, no conflicts (2 of 4 stars). 7 submissions from 7 submitters: Benign (1); Likely benign (5). 1 of the submissions does not count toward it. Last evaluated 2026-05-01.

Conditions:
Inborn genetic diseases. Identifiers: MedGen C0950123, MeSH D030342.
Intellectual disability. Also called: Intellectual functioning disability; intellectual disabilities; Intellectual developmental disorder. Identifiers: MedGen C3714756, MeSH D008607, MONDO:0001071, HP:0001249.
Koolen-de Vries syndrome (KDVS). Identifiers: Orphanet 96169, MedGen C1864871, MONDO:0012496, OMIM 610443.

Allele frequency attached by ClinVar (database versions not stated): gnomAD 0.00007 and 0.00006; gnomAD exomes 0.00008 and 0.00009; ExAC 0.00011.
gnomAD v4.1: 154 of 1,614,176 alleles (0.0095%); highest among the groups gnomAD compares: Middle Eastern, 0.43%; no homozygotes.

Submissions (7):

CeGaT Center for Human Genetics Tuebingen
Classification: Likely benign. Last evaluated: 2026-05-01. Review status: criteria provided, single submitter. Criteria: CeGaT Center For Human Genetics Tuebingen Variant Classification Criteria Version 2. Collection method: clinical testing. Allele origin: germline. Affected: yes. Observed: 2 variant alleles.
Comment: KANSL1: BS2

Labcorp Genetics (formerly Invitae), Labcorp
Classification: Benign for Koolen-de Vries syndrome. Last evaluated: 2025-11-17. Review status: criteria provided, single submitter. Criteria: Invitae Variant Classification Sherloc (09022015). Collection method: clinical testing. Allele origin: germline.

Blueprint Genetics
Classification: Likely benign. Last evaluated: 2024-11-11. Review status: criteria provided, single submitter. Criteria: ACMG Guidelines, 2015. Collection method: clinical testing. Allele origin: germline.

Ambry Genetics
Classification: Likely benign for Inborn genetic diseases. Last evaluated: 2021-09-01. Review status: criteria provided, single submitter. Criteria: Ambry Variant Classification Scheme 2023. Collection method: clinical testing. Allele origin: germline.

GeneDx
Classification: Likely benign. Last evaluated: 2017-08-28. Review status: criteria provided, single submitter. Criteria: GeneDx Variant Classification (06012015). Collection method: clinical testing. Allele origin: germline. Affected: yes.
Comment: This variant is considered likely benign or benign based on one or more of the following criteria: it is a conservative change, it occurs at a poorly conserved position in the protein, it is predicted to be benign by multiple in silico algorithms, and/or has population frequency not consistent with disease.

Breakthrough Genomics
Classification: Likely benign. Review status: criteria provided, single submitter. Criteria: ACMG Guidelines, 2015. Collection method: not provided. Allele origin: germline. Inheritance: Autosomal dominant inheritance. Affected: yes.

Centre de Biologie Pathologie Génétique, Centre Hospitalier Universitaire de Lille
Classification: Likely benign for Intellectual disability. Last evaluated: 2019-01-01. Review status: no assertion criteria provided. Collection method: clinical testing. Allele origin: inherited. Affected: yes. Not counted in ClinVar's aggregate classification.